The following is an entry in ClinVar:

NM_022552.5(DNMT3A):c.896A>T (p.Lys299Ile)

Gene: DNMT3A (DNA methyltransferase 3 alpha; minus strand). Cytogenetic location: 2p23.3.
Variant type: single nucleotide variant.
Coding change: c.896A>T on transcript NM_022552.5 (MANE Select); coding-DNA position 896, A replaced by T.
Protein change: p.Lys299Ile; replaces lysine 299 with isoleucine.
Molecular consequence: missense variant. On other transcripts: non-coding transcript variant (1).
Genome position (GRCh38, 1-based): chr2:25,247,709, T>A on the plus strand (A>T on the coding strand, the complement: DNMT3A is on the minus strand). VCF-style: chr2-25247709-T-A. GRCh37 (hg19) VCF-style: chr2-25470578-T-A.
Other names: c.440A>T, p.Lys147Ile (NM_001320893.1); c.227A>T, p.Lys76Ile (NM_001375819.1); c.329A>T, p.Lys110Ile (NM_153759.3); c.896A>T, p.Lys299Ile (NM_175629.2); short protein forms K110I, K147I, K299I, K76I.
Identifiers: ClinVar variation 4280678 (VCV004280678.1).

ClinVar aggregate classification (germline): Pathogenic (1 of 4 stars; one submission).

Conditions:
Hereditary pheochromocytoma and paraganglioma. Also called: Hereditary Paraganglioma-Pheochromocytoma Syndromes; Hereditary paragangliomas and pheochromocytomas; Hereditary pheochromocytoma-paraganglioma. Identifiers: Orphanet 29072, MedGen C4274332, MONDO:0017366.

Submission:

Hereditary Endocrine Cancer Group, Spanish National Cancer Research Centre (CNIO)
Classification: Pathogenic for Hereditary pheochromocytoma and paraganglioma. Last evaluated: 2025-10-01. Review status: criteria provided, single submitter. Criteria: Hereditary Endocrine Cancer Group (CNIO) Assertion Criteria. Collection method: clinical testing. Allele origin: de novo. Affected: yes. Observed: 1 variant allele.
Comment: The c.896A>T variant results in the substitution of lysine with isoleucine at codon 299. Lysine 299 is a highly conserved residue located close to the aromatic cage that binds trimethylated histone H3. Significant hypermethylation of homeobox-containing genes was observed in DNMT3A-mutated tumors, suggesting an activating role of the mutation. CRISPR/Cas9-mediated knock-in in HeLa cells resulted in widespread changes in methylation, providing evidence of altered DNMT3A function (PMID: 29740169). This variant is not present in gnomAD population databases. In silico prediction tools unanimously indicate a deleterious effect on the gene. Based on the supporting evidence, this alteration is interpreted as pathogenic.

Literature cited by the submitters: PubMed 29740169.